The following is an entry in ClinVar:

NM_001846.4(COL4A2):c.1298C>T (p.Pro433Leu)

Gene: COL4A2 (collagen type IV alpha 2 chain; plus strand). Cytogenetic location: 13q34.
Variant type: single nucleotide variant.
Coding change: c.1298C>T on transcript NM_001846.4 (MANE Select); coding-DNA position 1298, C replaced by T.
Protein change: p.Pro433Leu; replaces proline 433 with leucine.
Molecular consequence: missense variant.
Genome position (GRCh38, 1-based): chr13:110,450,413, C>T. VCF-style: chr13-110450413-C-T. GRCh37 (hg19) VCF-style: chr13-111102760-C-T.
Other names: short protein forms P433L.
Identifiers: ClinVar variation 1939760 (VCV001939760.5), dbSNP rs776980571, ClinGen allele CA7049366.
Genomic context (GRCh38, chr13:110,450,413, plus strand): 5'-GAGACCCCGGCATCCCTGCGCTCTACGGGGGCCCACCTGGACCTGATGGAAAGCGAGGGC[C>T]TCCAGGACCCCCCGGGCTCCCTGGACCACCTGGACCTGATGGTGAGTGGAGGGAAACAAA-3'
Protein context (NP_001837.2, residues 423-443): GPPGPDGKRG[Pro433Leu]PGPPGLPGPP

ClinVar aggregate classification (germline): Uncertain significance (1 of 4 stars; one submission).

Allele frequency attached by ClinVar (database versions not stated): gnomAD exomes below 0.00001; ExAC 0.00001; gnomAD 0.00001.
gnomAD v4.1: 2 of 1,613,866 alleles (0.00012%); highest among the groups gnomAD compares: African/African-American, 0.0013%; no homozygotes.

Submission:

Labcorp Genetics (formerly Invitae), Labcorp
Classification: Uncertain significance. Last evaluated: 2022-09-27. Review status: criteria provided, single submitter. Criteria: Invitae Variant Classification Sherloc (09022015). Collection method: clinical testing. Allele origin: germline.
Comment: This sequence change replaces proline, which is neutral and non-polar, with leucine, which is neutral and non-polar, at codon 433 of the COL4A2 protein (p.Pro433Leu). This variant is present in population databases (rs776980571, gnomAD 0.004%). This variant has not been reported in the literature in individuals affected with COL4A2-related conditions. Advanced modeling of protein sequence and biophysical properties (such as structural, functional, and spatial information, amino acid conservation, physicochemical variation, residue mobility, and thermodynamic stability) performed at Invitae indicates that this missense variant is not expected to disrupt COL4A2 protein function. In summary, the available evidence is currently insufficient to determine the role of this variant in disease. Therefore, it has been classified as a Variant of Uncertain Significance.